The following is an entry in ClinVar:

NM_007294.4(BRCA1):c.4679G>A (p.Gly1560Glu)

Gene: BRCA1 (BRCA1 DNA repair associated; minus strand). Cytogenetic location: 17q21.31.
Variant type: single nucleotide variant.
Coding change: c.4679G>A on transcript NM_007294.4 (MANE Select); coding-DNA position 4679, G replaced by A.
Protein change: p.Gly1560Glu; replaces glycine 1560 with glutamic acid.
Molecular consequence: missense variant. On other transcripts: non-coding transcript variant (1).
Genome position (GRCh38, 1-based): chr17:43,071,235, C>T on the plus strand (G>A on the coding strand, the complement: BRCA1 is on the minus strand). VCF-style: chr17-43071235-C-T. GRCh37 (hg19) VCF-style: chr17-41223252-C-T.
Other names: c.4466G>A, p.Gly1489Glu (NM_001407571.1, NM_001407894.1, NM_001407895.1 and 12 more transcripts); c.4745G>A, p.Gly1582Glu (NM_001407581.1, NM_001407582.1); c.4742G>A, p.Gly1581Glu (NM_001407583.1, NM_001407585.1, NM_001407587.1 and 1 more transcripts); c.4739G>A, p.Gly1580Glu (NM_001407590.1, NM_001407591.1); c.4679G>A, p.Gly1560Glu (NM_001407593.1, NM_001407594.1, NM_001407596.1 and 8 more transcripts); c.4676G>A, p.Gly1559Glu (NM_001407618.1, NM_001407619.1, NM_001407620.1 and 17 more transcripts); c.4673G>A, p.Gly1558Glu (NM_001407637.1, NM_001407638.1, NM_001407639.1 and 14 more transcripts); c.4670G>A, p.Gly1557Glu (NM_001407644.1, NM_001407645.1); and 70 more; short protein forms G1581E, G1513E, G1560E, G456E, G1447E, G1448E, G1493E, G1517E.
Identifiers: ClinVar variation 1518880 (VCV001518880.11), dbSNP rs564757581, ClinGen allele CA10592148.
Genomic context (GRCh38, chr17:43,071,235, plus strand): 5'-GAAGGATCAGATTCAGGGTCATCAGAGAAGAGGCTGATTCCAGATTCCAGGTAAGGGGTT[C>T]CCTCTGAAAGGAATGGGAGAAGTTTAATTTACACAACGATGAATGTTGAATTACAAAGTT-3'
Protein context (NP_009225.1, residues 1550-1570): TSYLPRQDLE[Gly1560Glu]TPYLESGISL

ClinVar aggregate classification (germline): Uncertain significance. Review status: criteria provided, multiple submitters, no conflicts (2 of 4 stars). 3 submissions from 3 submitters: Uncertain significance (3). Last evaluated 2025-10-04.

Conditions:
BRCA1-related cancer predisposition. Identifiers: MedGen CN377757, MONDO:0700268.
Hereditary breast ovarian cancer syndrome. Also called: Hereditary breast and ovarian cancer syndrome; Hereditary breast and/or ovarian cancer syndrome; BRCA1- and BRCA2-Associated Hereditary Breast and Ovarian Cancer; Hereditary breast and ovarian cancer syndrome (HBOC); Breast and ovarian cancer; Hereditary breast and ovarian cancer. Identifiers: Orphanet 145, MedGen C0677776, MeSH D061325, MONDO:0003582. Disease mechanism: loss of function.
Hereditary cancer-predisposing syndrome. Also called: Hereditary neoplastic syndrome; Hereditary Cancer Syndrome; Tumor predisposition; Neoplastic Syndromes, Hereditary. Identifiers: Orphanet 140162, MedGen C0027672, MeSH D009386, MONDO:0015356.

Submissions (3):

Ambry Genetics
Classification: Uncertain significance for Hereditary cancer-predisposing syndrome. Last evaluated: 2025-10-04. Review status: criteria provided, single submitter. Criteria: Ambry Variant Classification Scheme 2023. Collection method: clinical testing. Allele origin: germline.
Comment: The p.G1560E variant (also known as c.4679G>A), located in coding exon 14 of the BRCA1 gene, results from a G to A substitution at nucleotide position 4679. The glycine at codon 1560 is replaced by glutamic acid, an amino acid with similar properties. This amino acid position is well conserved in available vertebrate species. In addition, the in silico prediction for this alteration is inconclusive. Based on the available evidence, the clinical significance of this variant remains unclear.

All of Us Research Program, National Institutes of Health
Classification: Uncertain significance for BRCA1-related cancer predisposition. Last evaluated: 2024-04-25. Review status: criteria provided, single submitter. Criteria: ACMG Guidelines, 2015. Collection method: clinical testing. Allele origin: germline. Inheritance: Autosomal dominant inheritance. Observed: 1 variant allele, 1 heterozygote.
Comment: This missense variant replaces glycine with glutamic acid at codon 1560 of the BRCA1 protein. Computational prediction is inconclusive regarding the impact of this variant on protein structure and function. To our knowledge, functional studies have not been reported for this variant. This variant has not been reported in individuals affected with BRCA1-related disorders in the literature. This variant has not been identified in the general population by the Genome Aggregation Database (gnomAD). The available evidence is insufficient to determine the role of this variant in disease conclusively. Therefore, this variant is classified as a Variant of Uncertain Significance.

This study involves interpretation of variants in research participants for the purpose of population health screening. Participant phenotype was not available at the time of variant classification. Additional details can be found in publication PMID: 35346344, PMCID: PMC8962531

Labcorp Genetics (formerly Invitae), Labcorp
Classification: Uncertain significance for Hereditary breast ovarian cancer syndrome. Last evaluated: 2024-03-04. Review status: criteria provided, single submitter. Criteria: Invitae Variant Classification Sherloc (09022015). Collection method: clinical testing. Allele origin: germline.
Comment: This sequence change replaces glycine, which is neutral and non-polar, with glutamic acid, which is acidic and polar, at codon 1560 of the BRCA1 protein (p.Gly1560Glu). This variant is not present in population databases (gnomAD no frequency). This variant has not been reported in the literature in individuals affected with BRCA1-related conditions. ClinVar contains an entry for this variant (Variation ID: 1518880). Advanced modeling of protein sequence and biophysical properties (such as structural, functional, and spatial information, amino acid conservation, physicochemical variation, residue mobility, and thermodynamic stability) performed at Invitae indicates that this missense variant is not expected to disrupt BRCA1 protein function with a negative predictive value of 95%. In summary, the available evidence is currently insufficient to determine the role of this variant in disease. Therefore, it has been classified as a Variant of Uncertain Significance.